The following is an entry in ClinVar:

ClinVar aggregate classification (germline): Uncertain significance (1 of 4 stars; one submission).

Submission:

Labcorp Genetics (formerly Invitae), Labcorp
Classification: Uncertain significance. Last evaluated: 2025-08-19. Review status: criteria provided, single submitter. Criteria: Invitae Variant Classification Sherloc (09022015). Collection method: clinical testing. Allele origin: germline.
Comment: This sequence change creates a premature translational stop signal (p.Ala596Thrfs*76) in the DVL1 gene. While this is not anticipated to result in nonsense mediated decay, it is expected to disrupt the last 75 amino acid(s) of the DVL1 protein. This variant is not present in population databases (gnomAD no frequency). This variant has not been reported in the literature in individuals affected with DVL1-related conditions. In summary, the available evidence is currently insufficient to determine the role of this variant in disease. Therefore, it has been classified as a Variant of Uncertain Significance.

NM_001330311.2(DVL1):c.1860_1888del (p.Ala621fs)

Gene: DVL1 (dishevelled segment polarity protein 1; minus strand). Cytogenetic location: 1p36.33.
Variant type: Deletion.
Coding change: c.1860_1888del on transcript NM_001330311.2 (MANE Select); coding-DNA positions 1860 to 1888, 29 bases deleted (GGCCGGCCAGCTCAGCCGTGGCAGCAGCC).
Protein change: p.Ala621fs; shifts the reading frame from alanine 621.
Molecular consequence: frameshift variant.
Genome position (GRCh38, 1-based): chr1:1,336,342-1,336,370, GGCTGCTGCCACGGCTGAGCTGGCCGGCC deleted on the plus strand (GGCCGGCCAGCTCAGCCGTGGCAGCAGCC on the coding strand, the reverse complement: DVL1 is on the minus strand); deleting any 29 consecutive bases within chr1:1,336,342-1,336,372 gives the same sequence; the c. name uses the placement nearest the transcript's 3' end. VCF-style (leftmost placement, unchanged base first): chr1-1336341-GGGCTGCTGCCACGGCTGAGCTGGCCGGCC-G. GRCh37 (hg19) VCF-style: chr1-1271721-GGGCTGCTGCCACGGCTGAGCTGGCCGGCC-G.
Other names: c.1785_1813del, p.Ala596fs (NM_004421.3); short protein forms A596fs, A621fs.
Identifiers: ClinVar variation 4725693 (VCV004725693.1).